The following is an entry in ClinVar:

ClinVar aggregate classification (germline): Uncertain significance (1 of 4 stars; one submission).

Conditions:
Neurofibromatosis, type 1 (NF1). Also called: Peripheral type neurofibromatosis; VON RECKLINGHAUSEN DISEASE; NEUROFIBROMATOSIS, TYPE I, SOMATIC; Neurofibromatosis, type I. Identifiers: Orphanet 636, MedGen C0027831, MONDO:0018975, OMIM 162200. Disease mechanism: loss of function.

Submission:

Labcorp Genetics (formerly Invitae), Labcorp
Classification: Uncertain significance for Neurofibromatosis, type 1. Last evaluated: 2022-01-08. Review status: criteria provided, single submitter. Criteria: Invitae Variant Classification Sherloc (09022015). Collection method: clinical testing. Allele origin: germline.
Comment: This sequence change replaces leucine, which is neutral and non-polar, with histidine, which is basic and polar, at codon 2082 of the NF1 protein (p.Leu2082His). In summary, the available evidence is currently insufficient to determine the role of this variant in disease. Therefore, it has been classified as a Variant of Uncertain Significance. Advanced modeling of protein sequence and biophysical properties (such as structural, functional, and spatial information, amino acid conservation, physicochemical variation, residue mobility, and thermodynamic stability) performed at Invitae indicates that this missense variant is expected to disrupt NF1 protein function. ClinVar contains an entry for this variant (Variation ID: 958074). This variant has not been reported in the literature in individuals affected with NF1-related conditions. This variant is not present in population databases (gnomAD no frequency).

NM_001042492.3(NF1):c.6308T>A (p.Leu2103His)

Gene: NF1 (neurofibromin 1; plus strand). Cytogenetic location: 17q11.2.
Variant type: single nucleotide variant.
Coding change: c.6308T>A on transcript NM_001042492.3 (MANE Select); coding-DNA position 6308, T replaced by A.
Protein change: p.Leu2103His; replaces leucine 2103 with histidine.
Molecular consequence: missense variant.
Genome position (GRCh38, 1-based): chr17:31,336,795, T>A. VCF-style: chr17-31336795-T-A. GRCh37 (hg19) VCF-style: chr17-29663813-T-A.
Other names: c.6245T>A, p.Leu2082His (NM_000267.4); short protein forms L2082H, L2103H.
Identifiers: ClinVar variation 958074 (VCV000958074.6), dbSNP rs2069687450, ClinGen allele CA399012256.